The following is an entry in ClinVar:

NM_012186.3(FOXE3):c.606G>A (p.Pro202=)

Genes: FOXE3 (forkhead box E3; plus strand), LINC01389 (long independently transcribed non-coding RNA 1389; minus strand). Cytogenetic location: 1p33.
Variant type: single nucleotide variant.
Coding change: c.606G>A on transcript NM_012186.3 (MANE Select); coding-DNA position 606, G replaced by A.
Protein change: p.Pro202=; no amino-acid change (proline 202 retained).
Molecular consequence: synonymous variant.
Genome position (GRCh38, 1-based): chr1:47,416,921, G>A. VCF-style: chr1-47416921-G-A. GRCh37 (hg19) VCF-style: chr1-47882593-G-A.
Identifiers: ClinVar variation 4786560 (VCV004786560.1).

ClinVar aggregate classification (germline): Uncertain significance (1 of 4 stars; one submission).

Conditions:
Anterior segment dysgenesis. Also called: Ocular anterior segment dysgenesis. Identifiers: Orphanet 88632, MedGen C1862839, MONDO:0019503, HP:0007700.
Congenital primary aphakia. Also called: Anterior segment dysgenesis 2, multiple subtypes; ANTERIOR SEGMENT DYSGENESIS 2. Identifiers: Orphanet 83461, MedGen C1853230, MONDO:0012456, OMIM 610256.

Submission:

Labcorp Genetics (formerly Invitae), Labcorp
Classification: Uncertain significance for Anterior segment dysgenesis; Congenital primary aphakia. Last evaluated: 2025-10-18. Review status: criteria provided, single submitter. Criteria: Invitae Variant Classification Sherloc (09022015). Collection method: clinical testing. Allele origin: germline.
Comment: This sequence change affects codon 202 of the FOXE3 mRNA. It is a 'silent' change, meaning that it does not change the encoded amino acid sequence of the FOXE3 protein. This variant is not present in population databases (gnomAD no frequency). This variant has not been reported in the literature in individuals affected with FOXE3-related conditions. In summary, the available evidence is currently insufficient to determine the role of this variant in disease. Therefore, it has been classified as a Variant of Uncertain Significance.